The following is an entry in ClinVar:

ClinVar aggregate classification (germline): Uncertain significance (1 of 4 stars; one submission).

Conditions:
Charcot-Marie-Tooth disease axonal type 2O. Also called: Charcot-Marie-Tooth disease, axonal, type 20; CHARCOT-MARIE-TOOTH NEUROPATHY, AXONAL, TYPE 2O; CHARCOT-MARIE-TOOTH DISEASE, AXONAL, AUTOSOMAL DOMINANT, TYPE 2O; Charcot-Marie-Tooth Neuropathy Type 2O. Identifiers: Orphanet 284232, MedGen C3280220, MONDO:0013644, OMIM 614228.

Submission:

Labcorp Genetics (formerly Invitae), Labcorp
Classification: Uncertain significance for Charcot-Marie-Tooth disease axonal type 2O. Last evaluated: 2024-12-22. Review status: criteria provided, single submitter. Criteria: Invitae Variant Classification Sherloc (09022015). Collection method: clinical testing. Allele origin: germline.
Comment: This sequence change replaces aspartic acid, which is acidic and polar, with valine, which is neutral and non-polar, at codon 4338 of the DYNC1H1 protein (p.Asp4338Val). This variant is not present in population databases (gnomAD no frequency). This variant has not been reported in the literature in individuals affected with DYNC1H1-related conditions. Invitae Evidence Modeling of protein sequence and biophysical properties (such as structural, functional, and spatial information, amino acid conservation, physicochemical variation, residue mobility, and thermodynamic stability) indicates that this missense variant is not expected to disrupt DYNC1H1 protein function with a negative predictive value of 95%. In summary, the available evidence is currently insufficient to determine the role of this variant in disease. Therefore, it has been classified as a Variant of Uncertain Significance.

NM_001376.5(DYNC1H1):c.13013A>T (p.Asp4338Val)

Gene: DYNC1H1 (dynein cytoplasmic 1 heavy chain 1; plus strand). Cytogenetic location: 14q32.31.
Variant type: single nucleotide variant.
Coding change: c.13013A>T on transcript NM_001376.5 (MANE Select); coding-DNA position 13013, A replaced by T.
Protein change: p.Asp4338Val; replaces aspartic acid 4338 with valine.
Molecular consequence: missense variant.
Genome position (GRCh38, 1-based): chr14:102,047,823, A>T. VCF-style: chr14-102047823-A-T. GRCh37 (hg19) VCF-style: chr14-102514160-A-T.
Other names: short protein forms D4338V.
Identifiers: ClinVar variation 3636190 (VCV003636190.2).